The following is an entry in ClinVar:

ClinVar aggregate classification (germline): Conflicting classifications of pathogenicity. Review status: criteria provided, conflicting classifications (1 of 4 stars). 9 submissions from 9 submitters: Uncertain significance (3); Benign (1); Likely benign (4). 1 of the submissions does not count toward it. Last evaluated 2026-04-08.

Conditions:
Combined immunodeficiency due to DOCK8 deficiency (HIES2). Also called: HYPER-IgE RECURRENT INFECTION SYNDROME 2, AUTOSOMAL RECESSIVE; HIES autosomal recessive; HYPER-IgE SYNDROME 2, AUTOSOMAL RECESSIVE, WITH RECURRENT INFECTIONS; DOCK8 Deficiency; Hyper-IgE recurrent infection syndrome, autosomal recessive. Identifiers: Orphanet 217390, MedGen C4722305, MONDO:0009478, OMIM 243700.
DOCK8-related disorder. Also called: DOCK8-related condition.

Allele frequency attached by ClinVar (database versions not stated): 1000 Genomes Project 30x 0.00078; 1000 Genomes Project 0.00100; gnomAD 0.00133 and 0.00136; gnomAD exomes 0.00139 and 0.00182; TOPMed 0.00143; ExAC 0.00145; ESP Exome Variant Server 0.00146.
gnomAD v4.1: 2,846 of 1,614,138 alleles (0.18%); highest among the groups gnomAD compares: Middle Eastern, 0.31%; 9 homozygotes.

Submissions (9):

Women's Health and Genetics/Laboratory Corporation of America, LabCorp
Classification: Likely benign. Last evaluated: 2026-04-08. Review status: criteria provided, single submitter. Criteria: LabCorp Variant Classification Summary - May 2015. Collection method: clinical testing. Allele origin: germline.
Comment: Variant summary: DOCK8 c.452G>A (p.Arg151Gln) results in a conservative amino acid change in the encoded protein sequence. Algorithms developed to predict the effect of missense changes on protein structure and function are either unavailable or do not agree on the potential impact of this missense change. The variant allele was found at a frequency of 0.0014 in 251386 control chromosomes in the gnomAD database, including 1 homozygotes. The observed variant frequency exceeds the estimated maximal expected allele frequency for disease-causing variants in DOCK8. To our knowledge, no occurrence of c.452G>A in individuals affected with DOCK8-related conditions and no experimental evidence demonstrating its impact on protein function have been reported. ClinVar contains an entry for this variant (Variation ID: 366540). Based on the evidence outlined above, the variant was classified as likely benign.

Labcorp Genetics (formerly Invitae), Labcorp
Classification: Likely benign for Combined immunodeficiency due to DOCK8 deficiency. Last evaluated: 2026-02-04. Review status: criteria provided, single submitter. Criteria: Invitae Variant Classification Sherloc (09022015). Collection method: clinical testing. Allele origin: germline.

Mayo Clinic Laboratories, Mayo Clinic
Classification: Likely benign. Last evaluated: 2025-12-02. Review status: criteria provided, single submitter. Criteria: ACMG Guidelines, 2015. Collection method: clinical testing. Allele origin: germline. Observed: 7 variant alleles.
Comment: BS1

CeGaT Center for Human Genetics Tuebingen
Classification: Likely benign. Last evaluated: 2025-11-01. Review status: criteria provided, single submitter. Criteria: CeGaT Center For Human Genetics Tuebingen Variant Classification Criteria Version 2. Collection method: clinical testing. Allele origin: germline. Affected: yes. Observed: 4 variant alleles.
Comment: DOCK8: BP4

Blueprint Genetics
Classification: Benign. Last evaluated: 2024-11-23. Review status: criteria provided, single submitter. Criteria: ACMG Guidelines, 2015. Collection method: clinical testing. Allele origin: germline.

Genetic Services Laboratory, University of Chicago
Classification: Uncertain significance. Last evaluated: 2021-12-06. Review status: criteria provided, single submitter. Criteria: ACMG Guidelines, 2015. Collection method: clinical testing. Allele origin: germline. Affected: no.
Comment: DNA sequence analysis of the DOCK8 gene demonstrated a sequence change, c.452G>A, in exon 5 that results in an amino acid change, p.Arg151Gln. This sequence change has been described in the gnomAD database with a frequency of 0.29% in the Ashkenazi Jewish subpopulation (dbSNP rs149918318). The p.Arg151Gln change affects a highly conserved amino acid residue located in a domain of the DOCK8 protein that is known to be functional. In-silico pathogenicity prediction tools (SIFT, PolyPhen2, Align GVGD, REVEL) provide contradictory results for the p.Arg151Gln substitution. This sequence change does not appear to have been previously described in individuals with DOCK8-related disorders. Due to insufficient evidences and the lack of functional studies, the clinical significance of the p.Arg151Gln change remains unknown at this time.

Illumina Laboratory Services, Illumina
Classification: Uncertain significance for Combined immunodeficiency due to DOCK8 deficiency. Last evaluated: 2018-01-13. Review status: criteria provided, single submitter. Criteria: ICSL Variant Classification Criteria 13 December 2019. Collection method: clinical testing. Allele origin: germline.

GeneDx
Classification: Uncertain significance. Last evaluated: 2016-12-15. Review status: criteria provided, single submitter. Criteria: GeneDx Variant Classification (06012015). Collection method: clinical testing. Allele origin: germline. Affected: yes.
Comment: The R83Q variant has not been published as a pathogenic variant, nor has it been reported as a benign variant to our knowledge. The NHLBI Exome Sequencing Project and the 1000 Genomes Project Consortium report R83Q was observed in 19/8600 (0.22%) and 3/694 (0.43%) alleles from individuals of European and mixed American backgrounds, respectively, indicating it may be a rare variant in these populations. The variant is a semi-conservative amino acid substitution, which may impact secondary protein structure as these residues differ in some properties. This substitution occurs at a position that is conserved across species; however, in silico analysis is inconsistent in its predictions as to whether or not the variant is damaging to the protein structure/function. Therefore, based on the currently available information, it is unclear whether this variant is a pathogenic variant or a rare benign variant.

PreventionGenetics, part of Exact Sciences
Classification: Likely benign for DOCK8-related condition. Last evaluated: 2022-02-28. Review status: no assertion criteria provided. Collection method: clinical testing. Allele origin: germline. Not counted in ClinVar's aggregate classification.
Comment: This variant is classified as likely benign based on ACMG/AMP sequence variant interpretation guidelines (Richards et al. 2015 PMID: 25741868, with internal and published modifications).

NM_203447.4(DOCK8):c.452G>A (p.Arg151Gln)

Gene: DOCK8 (dedicator of cytokinesis 8; plus strand). Cytogenetic location: 9p24.3.
Variant type: single nucleotide variant.
Coding change: c.452G>A on transcript NM_203447.4 (MANE Select); coding-DNA position 452, G replaced by A.
Protein change: p.Arg151Gln; replaces arginine 151 with glutamine.
Molecular consequence: missense variant.
Genome position (GRCh38, 1-based): chr9:304,628, G>A. VCF-style: chr9-304628-G-A. GRCh37 (hg19) VCF-style: chr9-304628-G-A.
Other names: p.Arg151Gln; c.248G>A, p.Arg83Gln (NM_001190458.2, NM_001193536.2); short protein forms R151Q, R83Q.
Identifiers: ClinVar variation 366540 (VCV000366540.41), dbSNP rs149918318, ClinGen allele CA4957247.